The following is an entry in ClinVar:

ClinVar aggregate classification (germline): Likely pathogenic (0 of 4 stars; one submission).

Conditions:
Meckel syndrome, type 3 (MKS3). Also called: MECKEL-GRUBER SYNDROME, TYPE 3. Identifiers: Orphanet 564, MedGen C1846357, MONDO:0011821, OMIM 607361.

Allele frequency attached by ClinVar (database versions not stated): TOPMed below 0.00001.
gnomAD v4.1: 2 of 1,601,454 alleles (0.00012%); highest among the groups gnomAD compares: Non-Finnish European, 0.00017%; no homozygotes.

Submission:

Juha Muilu Group; Institute for Molecular Medicine Finland (FIMM)
Classification: Likely pathogenic for Meckel syndrome type 3. Review status: no assertion criteria provided. Collection method: not provided. Allele origin: unknown.
Comment: FinDis database variant: This variant was not found or characterized by our laboratory, data were collected from public sources: see reference
ClinVar note: Converted during submission from probable-pathogenic to Likely pathogenic.

NM_153704.6(TMEM67):c.2542G>T (p.Glu848Ter)

Gene: TMEM67 (transmembrane protein 67; plus strand). Cytogenetic location: 8q22.1.
Variant type: single nucleotide variant.
Coding change: c.2542G>T on transcript NM_153704.6 (MANE Select); coding-DNA position 2542, G replaced by T.
Protein change: p.Glu848Ter; replaces glutamic acid 848 with a stop codon.
Molecular consequence: nonsense. On other transcripts: non-coding transcript variant (1).
Genome position (GRCh38, 1-based): chr8:93,808,942, G>T. VCF-style: chr8-93808942-G-T. GRCh37 (hg19) VCF-style: chr8-94821170-G-T.
Other names: c.2299G>T, p.Glu767Ter (NM_001142301.1); short protein forms E767*, E848*.
Identifiers: ClinVar variation 56776 (VCV000056776.2), dbSNP rs386834195, ClinGen allele CA144471.